The following is an entry in ClinVar:

ClinVar aggregate classification (germline): Uncertain significance (1 of 4 stars; one submission).

Allele frequency attached by ClinVar (database versions not stated): gnomAD exomes below 0.00001; gnomAD 0.00001; ExAC 0.00002.

Submission:

Labcorp Genetics (formerly Invitae), Labcorp
Classification: Uncertain significance. Last evaluated: 2022-03-11. Review status: criteria provided, single submitter. Criteria: Invitae Variant Classification Sherloc (09022015). Collection method: clinical testing. Allele origin: germline.
Comment: This sequence change replaces valine, which is neutral and non-polar, with isoleucine, which is neutral and non-polar, at codon 586 of the TWNK protein (p.Val586Ile). This variant is present in population databases (rs758207715, gnomAD 0.002%). This variant has not been reported in the literature in individuals affected with TWNK-related conditions. Advanced modeling of protein sequence and biophysical properties (such as structural, functional, and spatial information, amino acid conservation, physicochemical variation, residue mobility, and thermodynamic stability) performed at Invitae indicates that this missense variant is not expected to disrupt TWNK protein function. In summary, the available evidence is currently insufficient to determine the role of this variant in disease. Therefore, it has been classified as a Variant of Uncertain Significance.

NM_021830.5(TWNK):c.1756G>A (p.Val586Ile)

Gene: TWNK (twinkle mtDNA helicase; plus strand). Cytogenetic location: 10q24.31.
Variant type: single nucleotide variant.
Coding change: c.1756G>A on transcript NM_021830.5 (MANE Select); coding-DNA position 1756, G replaced by A.
Protein change: p.Val586Ile; replaces valine 586 with isoleucine.
Molecular consequence: missense variant. On other transcripts: 3 prime UTR variant (2), non-coding transcript variant (5).
Genome position (GRCh38, 1-based): chr10:100,993,211, G>A. VCF-style: chr10-100993211-G-A. GRCh37 (hg19) VCF-style: chr10-102752968-G-A.
Other names: c.*51G>A (NM_001163812.2, NM_001163814.2); c.394G>A, p.Val132Ile (NM_001163813.2, NM_001368275.1); short protein forms V586I, V132I.
Identifiers: ClinVar variation 2038304 (VCV002038304.4), dbSNP rs758207715, ClinGen allele CA5653339.